The following is an entry in ClinVar:

NM_001297.5(CNGB1):c.2635-10del

Gene: CNGB1 (cyclic nucleotide gated channel subunit beta 1; minus strand). Cytogenetic location: 16q21.
Variant type: Deletion.
Coding change: c.2635-10del on transcript NM_001297.5 (MANE Select); 10 bases into the intron before coding-DNA position 2635, one base deleted (C; older notation c.2635-10delC).
Molecular consequence: intron variant.
Genome position (GRCh38, 1-based): chr16:57,903,991, G deleted on the plus strand (C on the coding strand, the reverse complement: CNGB1 is on the minus strand); the first of 3 consecutive G bases (chr16:57,903,991-57,903,993); deleting any one gives the same sequence. VCF-style (leftmost placement, unchanged base first): chr16-57903990-AG-A. GRCh37 (hg19) VCF-style: chr16-57937894-AG-A.
Other names: c.2617-10del (NM_001286130.2); c.2635-10delC (NM_001297.4).
Identifiers: ClinVar variation 1548962 (VCV001548962.10), dbSNP rs777949032, ClinGen allele CA8082877.

ClinVar aggregate classification (germline): Likely benign. Review status: criteria provided, multiple submitters, no conflicts (2 of 4 stars). 3 submissions from 3 submitters: Likely benign (3). Last evaluated 2026-07-22.

Conditions:
CNGB1-related disorder. Also called: CNGB1-related condition.

Submissions (3):

PreventionGenetics, part of Exact Sciences
Classification: Likely benign for CNGB1-related condition. Last evaluated: 2026-07-22. Review status: criteria provided, single submitter. Criteria: ACMG Guidelines, 2015. Collection method: clinical testing. Allele origin: germline.
Comment: This variant is classified as likely benign based on ACMG/AMP sequence variant interpretation guidelines (Richards et al. 2015 PMID: 25741868, with internal and published modifications).

Labcorp Genetics (formerly Invitae), Labcorp
Classification: Likely benign. Last evaluated: 2025-04-13. Review status: criteria provided, single submitter. Criteria: Invitae Variant Classification Sherloc (09022015). Collection method: clinical testing. Allele origin: germline.

Blueprint Genetics
Classification: Likely benign. Last evaluated: 2020-05-15. Review status: criteria provided, single submitter. Criteria: ACMG Guidelines, 2015. Collection method: clinical testing. Allele origin: germline.